The following is an entry in ClinVar:

ClinVar aggregate classification (germline): Uncertain significance (1 of 4 stars; one submission).

Conditions:
Pontocerebellar hypoplasia, type 1D. Identifiers: MedGen C4748058, MONDO:0054844, OMIM 618065.

Allele frequency attached by ClinVar (database versions not stated): gnomAD exomes 0.00001; ExAC 0.00002.
gnomAD v4.1: 12 of 1,612,298 alleles (0.00074%); highest among the groups gnomAD compares: South Asian, 0.012%; no homozygotes.

Submission:

Victorian Clinical Genetics Services, Murdoch Childrens Research Institute
Classification: Uncertain significance for Pontocerebellar hypoplasia, type 1D. Last evaluated: 2023-07-17. Review status: criteria provided, single submitter. Criteria: ACMG Guidelines, 2015. Collection method: clinical testing. Allele origin: germline. Inheritance: Autosomal recessive inheritance. Affected: yes.
Comment: Based on the classification scheme VCGS_Germline_v1.3.4, this variant is classified as VUS-3B. Following criteria are met: 0102 - Loss of function is a known mechanism of disease in this gene and is associated with Pontocerebellar hypoplasia, type 1D (MIM#618065) (PMID:32527837; PMID: 29727687). (I) 0106 - This gene is associated with autosomal recessive disease. (I) 0115 - Variants in this gene are known to have variable expressivity (PMID: 30690203; PMID: 33040083). (I) 0200 - Variant is predicted to result in a missense amino acid change from proline to leucine. (I) 0252 - This variant is homozygous. (I) 0304 - Variant is present in gnomAD <0.01 for a recessive condition (v2 - 5 heterozygotes, 0 homozygotes). (SP) 0502 - Missense variant with conflicting in silico predictions and uninformative conservation. (I) 0604 - Variant is not located in an established domain, motif, hotspot or informative constraint region. (I) 0705 - No comparable missense variants have previous evidence for pathogenicity. (I) 0807 - This variant has no previous evidence of pathogenicity. (I) 0905 - No published segregation evidence has been identified for this variant. (I) 1007 - No published functional evidence has been identified for this variant. (I) Legend: (SP) - Supporting pathogenic, (I) - Information, (SB) - Supporting benign

Literature cited by the submitters: PubMed 29727687; PubMed 30690203; PubMed 32527837; PubMed 33040083.

NM_005033.3(EXOSC9):c.545C>T (p.Pro182Leu)

Gene: EXOSC9 (exosome component 9; plus strand). Cytogenetic location: 4q27.
Variant type: single nucleotide variant.
Coding change: c.545C>T on transcript NM_005033.3 (MANE Select); coding-DNA position 545, C replaced by T.
Protein change: p.Pro182Leu; replaces proline 182 with leucine.
Molecular consequence: missense variant.
Genome position (GRCh38, 1-based): chr4:121,807,562, C>T. VCF-style: chr4-121807562-C-T. GRCh37 (hg19) VCF-style: chr4-122728717-C-T.
Other names: c.545C>T, p.Pro182Leu (NM_001034194.2); short protein forms P182L.
Identifiers: ClinVar variation 3255122 (VCV003255122.1), dbSNP rs755032675.